The following is an entry in ClinVar:

NM_001122764.3(PPOX):c.719T>C (p.Leu240Pro)

Gene: PPOX (protoporphyrinogen oxidase; plus strand). Cytogenetic location: 1q23.3.
Variant type: single nucleotide variant.
Coding change: c.719T>C on transcript NM_001122764.3 (MANE Select); coding-DNA position 719, T replaced by C.
Protein change: p.Leu240Pro; replaces leucine 240 with proline.
Molecular consequence: missense variant.
Genome position (GRCh38, 1-based): chr1:161,169,095, T>C. VCF-style: chr1-161169095-T-C. GRCh37 (hg19) VCF-style: chr1-161138885-T-C.
Other names: c.719T>C, p.Leu240Pro (NM_000309.5, NM_001365398.1, NM_001365399.1); c.620T>C, p.Leu207Pro (NM_001350128.2); c.311T>C, p.Leu104Pro (NM_001350129.2, NM_001365400.1); c.233T>C, p.Leu78Pro (NM_001350130.2, NM_001350131.2, NM_001365401.1); short protein forms L104P, L207P, L240P, L78P.
Identifiers: ClinVar variation 1717913 (VCV001717913.5), dbSNP rs2525270371, ClinGen allele CA343354819.

ClinVar aggregate classification (germline): Uncertain significance (1 of 4 stars; one submission).

Submission:

Labcorp Genetics (formerly Invitae), Labcorp
Classification: Uncertain significance. Last evaluated: 2022-09-15. Review status: criteria provided, single submitter. Criteria: Invitae Variant Classification Sherloc (09022015). Collection method: clinical testing. Allele origin: germline.
Comment: This sequence change replaces leucine, which is neutral and non-polar, with proline, which is neutral and non-polar, at codon 240 of the PPOX protein (p.Leu240Pro). This variant is not present in population databases (gnomAD no frequency). This variant has not been reported in the literature in individuals affected with PPOX-related conditions. Advanced modeling of protein sequence and biophysical properties (such as structural, functional, and spatial information, amino acid conservation, physicochemical variation, residue mobility, and thermodynamic stability) performed at Invitae indicates that this missense variant is expected to disrupt PPOX protein function. In summary, the available evidence is currently insufficient to determine the role of this variant in disease. Therefore, it has been classified as a Variant of Uncertain Significance.